The following is an entry in ClinVar:

ClinVar aggregate classification (germline): Uncertain significance (1 of 4 stars; one submission).

Conditions:
Fucosidosis. Also called: ALPHA-L-FUCOSIDASE DEFICIENCY. Identifiers: Orphanet 349, MedGen C0016788, MONDO:0009254, OMIM 230000.

Submission:

Labcorp Genetics (formerly Invitae), Labcorp
Classification: Uncertain significance for Fucosidosis. Last evaluated: 2022-11-22. Review status: criteria provided, single submitter. Criteria: Invitae Variant Classification Sherloc (09022015). Collection method: clinical testing. Allele origin: germline.
Comment: In summary, the available evidence is currently insufficient to determine the role of this variant in disease. Therefore, it has been classified as a Variant of Uncertain Significance. Advanced modeling of protein sequence and biophysical properties (such as structural, functional, and spatial information, amino acid conservation, physicochemical variation, residue mobility, and thermodynamic stability) performed at Invitae indicates that this missense variant is not expected to disrupt FUCA1 protein function. This variant has not been reported in the literature in individuals affected with FUCA1-related conditions. This variant is not present in population databases (gnomAD no frequency). This sequence change replaces lysine, which is basic and polar, with asparagine, which is neutral and polar, at codon 202 of the FUCA1 protein (p.Lys202Asn).

NM_000147.5(FUCA1):c.606A>C (p.Lys202Asn)

Gene: FUCA1 (alpha-L-fucosidase 1; minus strand). Cytogenetic location: 1p36.11.
Variant type: single nucleotide variant.
Coding change: c.606A>C on transcript NM_000147.5 (MANE Select); coding-DNA position 606, A replaced by C.
Protein change: p.Lys202Asn; replaces lysine 202 with asparagine.
Molecular consequence: missense variant. On other transcripts: non-coding transcript variant (4).
Genome position (GRCh38, 1-based): chr1:23,863,190, T>G on the plus strand (A>C on the coding strand, the complement: FUCA1 is on the minus strand). VCF-style: chr1-23863190-T-G. GRCh37 (hg19) VCF-style: chr1-24189680-T-G.
Other names: short protein forms K202N.
Identifiers: ClinVar variation 2001953 (VCV002001953.4), dbSNP rs2521730888, ClinGen allele CA339006080.
Genomic context (GRCh38, chr1:23,863,190, plus strand): 5'-TTACCTGTTAACAAGGTCGTACAGCTCTGGCATTGTTTTTGCACTGACAAAATGCTGTGT[T>G]TTGAAGCCATTTTTCTTATCAAGTAGATAGAGTGGATGGAACCACTCTAAGAGTGAGTGG-3'
Protein context (NP_000138.2, residues 192-212): LYLLDKKNGF[Lys202Asn]TQHFVSAKTM